The following is an entry in ClinVar:

ClinVar aggregate classification (germline): Uncertain significance (1 of 4 stars; one submission).

Conditions:
Inborn genetic diseases. Identifiers: MedGen C0950123, MeSH D030342.

gnomAD v4.1: 1 of 1,614,026 alleles (0.000062%); highest among the groups gnomAD compares: Non-Finnish European, 0.000085%; no homozygotes.

Submission:

Ambry Genetics
Classification: Uncertain significance for Inborn genetic diseases. Last evaluated: 2026-03-29. Review status: criteria provided, single submitter. Criteria: Ambry Variant Classification Scheme 2023. Collection method: clinical testing. Allele origin: germline.
Comment: The p.K373Q variant (also known as c.1117A>C), located in coding exon 5 of the SH2B3 gene, results from an A to C substitution at nucleotide position 1117. The lysine at codon 373 is replaced by glutamine, an amino acid with similar properties. This amino acid position is conserved. In addition, this alteration is predicted to be tolerated by in silico analysis. Based on the available evidence, the clinical significance of this variant remains unclear.

NM_005475.3(SH2B3):c.1117A>C (p.Lys373Gln)

Gene: SH2B3 (SH2B adaptor protein 3; plus strand). Cytogenetic location: 12q24.12.
Variant type: single nucleotide variant.
Coding change: c.1117A>C on transcript NM_005475.3 (MANE Select); coding-DNA position 1117, A replaced by C.
Protein change: p.Lys373Gln; replaces lysine 373 with glutamine.
Molecular consequence: missense variant.
Genome position (GRCh38, 1-based): chr12:111,447,425, A>C. VCF-style: chr12-111447425-A-C. GRCh37 (hg19) VCF-style: chr12-111885229-A-C.
Other names: c.511A>C, p.Lys171Gln (NM_001291424.1); short protein forms K171Q, K373Q.
Identifiers: ClinVar variation 4864400 (VCV004864400.1).
Genomic context (GRCh38, chr12:111,447,425, plus strand): 5'-CAGAAGACGGACCATTTCCTGTCCTGCTACCCCTGGTTCCACGGCCCCATCTCCAGAGTG[A>C]AAGCAGCTCAGCTGGTTCAGCTGCAGGGCCCTGATGCTCATGGAGTGTTCCTGGTGCGGC-3'
Protein context (NP_005466.1, residues 363-383): PWFHGPISRV[Lys373Gln]AAQLVQLQGP